The following is an entry in ClinVar:

ClinVar aggregate classification (germline): Uncertain significance (1 of 4 stars; one submission).

Conditions:
Hypertrophic cardiomyopathy. Also called: HYPERTROPHIC MYOCARDIOPATHY. Identifiers: Orphanet 217569, MedGen C0007194, MeSH D002312, MONDO:0005045, HP:0001639.

Allele frequency attached by ClinVar (database versions not stated): gnomAD exomes below 0.00001.

Submission:

Labcorp Genetics (formerly Invitae), Labcorp
Classification: Uncertain significance for Hypertrophic cardiomyopathy. Last evaluated: 2020-03-26. Review status: criteria provided, single submitter. Criteria: Invitae Variant Classification Sherloc (09022015). Collection method: clinical testing. Allele origin: germline.
Comment: This sequence change replaces glutamic acid with lysine at codon 583 of the MYBPC3 protein (p.Glu583Lys). The glutamic acid residue is highly conserved and there is a small physicochemical difference between glutamic acid and lysine. This variant is not present in population databases (ExAC no frequency). In summary, the available evidence is currently insufficient to determine the role of this variant in disease. Therefore, it has been classified as a Variant of Uncertain Significance. Algorithms developed to predict the effect of missense changes on protein structure and function (SIFT, PolyPhen-2, Align-GVGD) all suggest that this variant is likely to be disruptive, but these predictions have not been confirmed by published functional studies and their clinical significance is uncertain. This variant has not been reported in the literature in individuals with MYBPC3-related conditions.

NM_000256.3(MYBPC3):c.1747G>A (p.Glu583Lys)

Gene: MYBPC3 (myosin binding protein C3; minus strand). Cytogenetic location: 11p11.2.
Variant type: single nucleotide variant.
Coding change: c.1747G>A on transcript NM_000256.3 (MANE Select); coding-DNA position 1747, G replaced by A.
Protein change: p.Glu583Lys; replaces glutamic acid 583 with lysine.
Molecular consequence: missense variant.
Genome position (GRCh38, 1-based): chr11:47,342,034, C>T on the plus strand (G>A on the coding strand, the complement: MYBPC3 is on the minus strand). VCF-style: chr11-47342034-C-T. GRCh37 (hg19) VCF-style: chr11-47363585-C-T.
Other names: short protein forms E583K.
Identifiers: ClinVar variation 1036525 (VCV001036525.8), dbSNP rs1278349327, ClinGen allele CA380324241.